The following is an entry in ClinVar:

ClinVar aggregate classification (germline): Pathogenic (1 of 4 stars; one submission).

Conditions:
Marfan syndrome (MFS). Also called: MARFAN SYNDROME, TYPE I; Marfan syndrome type 1; Marfan's syndrome; FBN1-Related Marfan Syndrome; Marfan syndrome, classic. Identifiers: Orphanet 284963, Orphanet 558, MedGen C0024796, MONDO:0007947, OMIM 154700.

Submission:

Victorian Clinical Genetics Services, Murdoch Childrens Research Institute
Classification: Pathogenic for Marfan syndrome. Last evaluated: 2020-07-02. Review status: criteria provided, single submitter. Criteria: ACMG Guidelines, 2015. Collection method: clinical testing. Allele origin: germline. Inheritance: Autosomal dominant inheritance. Affected: yes.
Comment: Based on the classification scheme VCGS_Germline_v1.3.3, this variant is classified as Pathogenic Following criteria are met: 0103 - Dominant negative and loss of function are known mechanisms of disease in this gene and are associated with FBN1-related disease. Variants predicted to result in nonsense mediated decay cause loss of function effects, and are more commonly associated with severe Marfan syndrome. Missense with both dominant negative and loss of function effects on protein function, are also associated with causing Marfan syndrome and ectopia lentis (OMIM, PMID: 29357934). The exact genotype-phenotype correlation for this gene is still unclear, and compounded by variable expressivity (GeneReviews). (I) 0108 - This gene is associated with both recessive and dominant disease. Patients with a recessive form of disease have Marfan syndrome; however there are very few reports (OMIM). (I) 0115 - Variants in this gene are known to have variable expressivity. The genotype-phenotype correlations for this gene are unclear, with single variants reported in patients with a range of phenotypes (GeneReviews, OMIM). (I) 0201 - Variant is predicted to cause nonsense-mediated decay (NMD) and loss of protein (premature termination codon is located at least 54 nucleotides upstream of the final exon-exon junction). (SP) 0251 - This variant is heterozygous. (I) 0301 - Variant is absent from gnomAD (both v2.1.1 and v3). (SP) 0701 - Other NMD-predicted variants comparable to the one identified in this case have very strong previous evidence for pathogenicity. Multiple frameshift and nonsense variants have been reported in association with Marfan syndrome and other aortopathies (ClinVar, DECIPHER, HGMD). (SP) 0807 - This variant has no previous evidence of pathogenicity. (I) 0905 - No published segregation evidence has been identified for this variant. (I) 1007 - No published functional evidence has been identified for this variant. (I) 1208 - Inheritance information for this variant is not currently available in this individual. (I) Legend: (SP) - Supporting Pathogenic, (I) – Information, (SB) – Supporting Benign

Literature cited by the submitters: PubMed 29357934.

NM_000138.5(FBN1):c.2591del (p.Ile864fs)

Gene: FBN1 (fibrillin 1; minus strand). Cytogenetic location: 15q21.1.
Variant type: Deletion.
Coding change: c.2591del on transcript NM_000138.5 (MANE Select); coding-DNA position 2591, one base deleted (T; older notation c.2591delT).
Protein change: p.Ile864fs; shifts the reading frame from isoleucine 864.
Molecular consequence: frameshift variant.
Genome position (GRCh38, 1-based): chr15:48,495,209, A deleted on the plus strand (T on the coding strand, the reverse complement: FBN1 is on the minus strand). VCF-style (leftmost placement, unchanged base first): chr15-48495208-GA-G. GRCh37 (hg19) VCF-style: chr15-48787405-GA-G.
Other names: c.2591del, p.Ile864fs (NM_001406716.1); short protein forms I864fs.
Identifiers: ClinVar variation 3376567 (VCV003376567.1).